The following is an entry in ClinVar:

NM_001253852.3(AP4B1):c.1098dup (p.Ala367fs)

Genes: AP4B1 (adaptor related protein complex 4 subunit beta 1; minus strand), AP4B1-AS1 (AP4B1 antisense RNA 1; plus strand). Cytogenetic location: 1p13.2.
Variant type: Duplication.
Coding change: c.1098dup on transcript NM_001253852.3 (MANE Select); coding-DNA position 1098, one base duplicated (T; older notation c.1098dupT).
Protein change: p.Ala367fs; shifts the reading frame from alanine 367.
Molecular consequence: frameshift variant. On other transcripts: non-coding transcript variant (2).
Genome position (GRCh38, 1-based): chr1:113,899,920, A duplicated on the plus strand (T on the coding strand, the reverse complement: AP4B1 is on the minus strand). VCF-style (leftmost placement, unchanged base first): chr1-113899919-C-CA. GRCh37 (hg19) VCF-style: chr1-114442541-C-CA.
Other names: c.801dup, p.Ala268fs (NM_001253853.3); c.594dup, p.Ala199fs (NM_001308312.2); c.1098dup, p.Ala367fs (NM_006594.5); short protein forms A367fs, A199fs, A268fs.
Identifiers: ClinVar variation 3632851 (VCV003632851.2).
Genomic context (GRCh38, chr1:113,899,919, plus strand): 5'-CTGGCTGGTCTAGGTTCTCAAGAAGGAAAAGGAGCAGACACCTACCTATGGCAAAGATGG[C>CA]AGCCTGTGCAAAGTCCGCAGACACATCCGTGCAGTACCCTCGAAGCTCCTCTAGCACCTG-3'

ClinVar aggregate classification (germline): Pathogenic (1 of 4 stars; one submission).

Conditions:
Hereditary spastic paraplegia 47. Also called: CEREBRAL PALSY, SPASTIC QUADRIPLEGIC, 5; Spastic paraplegia 47, autosomal recessive; adaptor protein 4 (AP-4) deficiency syndrome. Identifiers: Orphanet 280763, MedGen C3279738, MONDO:0013551, OMIM 614066.

Submission:

Labcorp Genetics (formerly Invitae), Labcorp
Classification: Pathogenic for Hereditary spastic paraplegia 47. Last evaluated: 2024-06-23. Review status: criteria provided, single submitter. Criteria: Invitae Variant Classification Sherloc (09022015). Collection method: clinical testing. Allele origin: germline.
Comment: This sequence change creates a premature translational stop signal (p.Ala367Cysfs*51) in the AP4B1 gene. It is expected to result in an absent or disrupted protein product. Loss-of-function variants in AP4B1 are known to be pathogenic (PMID: 22290197, 24700674, 24781758). This variant is not present in population databases (gnomAD no frequency). This variant has not been reported in the literature in individuals affected with AP4B1-related conditions. For these reasons, this variant has been classified as Pathogenic.

Literature cited by the submitters: PubMed 22290197; PubMed 24700674; PubMed 24781758.